The following is an entry in ClinVar:

ClinVar aggregate classification (germline): Uncertain significance (1 of 4 stars; one submission).

gnomAD v4.1: 5 of 1,614,082 alleles (0.00031%); highest among the groups gnomAD compares: Non-Finnish European, 0.00042%; no homozygotes.

Submission:

Ambry Genetics
Classification: Uncertain significance. Last evaluated: 2024-12-22. Review status: criteria provided, single submitter. Criteria: Ambry Variant Classification Scheme 2023. Collection method: clinical testing. Allele origin: germline.
Comment: The p.T138R variant (also known as c.413C>G), located in coding exon 2 of the GALNT12 gene, results from a C to G substitution at nucleotide position 413. The threonine at codon 138 is replaced by arginine, an amino acid with similar properties. This amino acid position is conserved. In addition, this alteration is predicted to be deleterious by in silico analysis. Based on the available evidence, the clinical significance of this variant remains unclear.

NM_024642.5(GALNT12):c.413C>G (p.Thr138Arg)

Gene: GALNT12 (polypeptide N-acetylgalactosaminyltransferase 12; plus strand). Cytogenetic location: 9q22.33.
Variant type: single nucleotide variant.
Coding change: c.413C>G on transcript NM_024642.5 (MANE Select); coding-DNA position 413, C replaced by G.
Protein change: p.Thr138Arg; replaces threonine 138 with arginine.
Molecular consequence: missense variant.
Genome position (GRCh38, 1-based): chr9:98,823,297, C>G. VCF-style: chr9-98823297-C-G. GRCh37 (hg19) VCF-style: chr9-101585579-C-G.
Other names: short protein forms T138R.
Identifiers: ClinVar variation 3852653 (VCV003852653.1).